The following is an entry in ClinVar:

NM_021975.4(RELA):c.1307T>C (p.Leu436Pro)

Gene: RELA (RELA proto-oncogene, NF-kB subunit; minus strand). Cytogenetic location: 11q13.1.
Variant type: single nucleotide variant.
Coding change: c.1307T>C on transcript NM_021975.4 (MANE Select); coding-DNA position 1307, T replaced by C.
Protein change: p.Leu436Pro; replaces leucine 436 with proline.
Molecular consequence: missense variant. On other transcripts: intron variant (1).
Genome position (GRCh38, 1-based): chr11:65,654,727, A>G on the plus strand (T>C on the coding strand, the complement: RELA is on the minus strand). VCF-style: chr11-65654727-A-G. GRCh37 (hg19) VCF-style: chr11-65422198-A-G.
Other names: c.1340T>C, p.Leu447Pro (NM_001404657.1); c.1280T>C, p.Leu427Pro (NM_001404658.1); c.1094T>C, p.Leu365Pro (NM_001404659.1); c.989T>C, p.Leu330Pro (NM_001404660.1); c.926T>C, p.Leu309Pro (NM_001404661.1); c.1214T>C, p.Leu405Pro (NM_001404662.1, NM_001404663.1); c.1215+92T>C (NM_001243985.2); c.1298T>C, p.Leu433Pro (NM_001145138.2); and 1 more; short protein forms L405P, L367P, L427P, L433P, L365P, L447P, L309P, L330P.
Identifiers: ClinVar variation 2797400 (VCV002797400.3), dbSNP rs2496825588, ClinGen allele CA381387391.

ClinVar aggregate classification (germline): Uncertain significance (1 of 4 stars; one submission).

Allele frequency attached by ClinVar (database versions not stated): gnomAD exomes below 0.00001.
gnomAD v4.1: 2 of 1,528,398 alleles (0.00013%); highest among the groups gnomAD compares: Non-Finnish European, 0.00018%; no homozygotes.

Submission:

Labcorp Genetics (formerly Invitae), Labcorp
Classification: Uncertain significance. Last evaluated: 2025-06-10. Review status: criteria provided, single submitter. Criteria: Invitae Variant Classification Sherloc (09022015). Collection method: clinical testing. Allele origin: germline.
Comment: This sequence change replaces leucine, which is neutral and non-polar, with proline, which is neutral and non-polar, at codon 436 of the RELA protein (p.Leu436Pro). This variant is not present in population databases (gnomAD no frequency). This variant has not been reported in the literature in individuals affected with RELA-related conditions. ClinVar contains an entry for this variant (Variation ID: 2797400). An algorithm developed to predict the effect of missense changes on protein structure and function (PolyPhen-2) suggests that this variant is likely to be disruptive. In summary, the available evidence is currently insufficient to determine the role of this variant in disease. Therefore, it has been classified as a Variant of Uncertain Significance.